The following is an entry in ClinVar:

NM_133171.5(ELMO2):c.270G>A (p.Glu90=)

Gene: ELMO2 (engulfment and cell motility 2; minus strand). Cytogenetic location: 20q13.12.
Variant type: single nucleotide variant.
Coding change: c.270G>A on transcript NM_133171.5 (MANE Select); coding-DNA position 270, G replaced by A.
Protein change: p.Glu90=; no amino-acid change (glutamic acid 90 retained).
Molecular consequence: synonymous variant.
Genome position (GRCh38, 1-based): chr20:46,389,194, C>T on the plus strand (G>A on the coding strand, the complement: ELMO2 is on the minus strand). VCF-style: chr20-46389194-C-T. GRCh37 (hg19) VCF-style: chr20-45017833-C-T.
Other names: c.6G>A, p.Glu2= (NM_001318253.2); c.270G>A, p.Glu90= (NM_182764.3).
Identifiers: ClinVar variation 2652370 (VCV002652370.24), dbSNP rs2516222985, ClinGen allele CA510660830.

ClinVar aggregate classification (germline): Likely benign (1 of 4 stars; one submission).

gnomAD v4.1: 1 of 1,614,120 alleles (0.000062%); no homozygotes.

Submission:

CeGaT Center for Human Genetics Tuebingen
Classification: Likely benign. Last evaluated: 2023-03-01. Review status: criteria provided, single submitter. Criteria: CeGaT Center For Human Genetics Tuebingen Variant Classification Criteria Version 2. Collection method: clinical testing. Allele origin: germline. Affected: yes. Observed: 1 variant allele.
Comment: ELMO2: PM2:Supporting, BP4, BP7